The following is an entry in ClinVar:

ClinVar aggregate classification (germline): Uncertain significance (1 of 4 stars; one submission).

Conditions:
Regional enteritis. Also called: Enteritis, Granulomatous. Identifiers: MedGen C0678202, MeSH D003424.
Blau syndrome (BLAUS). Also called: ARTHROCUTANEOUVEAL GRANULOMATOSIS; GRANULOMATOSIS, FAMILIAL JUVENILE SYSTEMIC; GRANULOMATOSIS, FAMILIAL, BLAU TYPE; GRANULOMATOUS INFLAMMATORY ARTHRITIS, DERMATITIS, AND UVEITIS, FAMILIAL; JABS SYNDROME. Identifiers: Orphanet 90340, MedGen C5201146, MONDO:0008523, OMIM 186580.

gnomAD v4.1: 6 of 1,612,560 alleles (0.00037%); highest among the groups gnomAD compares: South Asian, 0.0066%; no homozygotes.

Submission:

Labcorp Genetics (formerly Invitae), Labcorp
Classification: Uncertain significance for Regional enteritis; Blau syndrome. Last evaluated: 2025-01-08. Review status: criteria provided, single submitter. Criteria: Invitae Variant Classification Sherloc (09022015). Collection method: clinical testing. Allele origin: germline.
Comment: This sequence change replaces asparagine, which is neutral and polar, with threonine, which is neutral and polar, at codon 993 of the NOD2 protein (p.Asn993Thr). This variant is present in population databases (rs147750423, gnomAD 0.003%). This variant has not been reported in the literature in individuals affected with NOD2-related conditions. Invitae Evidence Modeling of protein sequence and biophysical properties (such as structural, functional, and spatial information, amino acid conservation, physicochemical variation, residue mobility, and thermodynamic stability) has been performed for this missense variant. However, the output from this modeling did not meet the statistical confidence thresholds required to predict the impact of this variant on NOD2 protein function. In summary, the available evidence is currently insufficient to determine the role of this variant in disease. Therefore, it has been classified as a Variant of Uncertain Significance.

NM_001370466.1(NOD2):c.2897A>C (p.Asn966Thr)

Genes: CYLD-AS1 (CYLD antisense RNA 1; minus strand), NOD2 (nucleotide binding oligomerization domain containing 2; plus strand). Cytogenetic location: 16q12.1.
Variant type: single nucleotide variant.
Coding change: c.2897A>C on transcript NM_001370466.1 (MANE Select); coding-DNA position 2897, A replaced by C.
Protein change: p.Asn966Thr; replaces asparagine 966 with threonine.
Molecular consequence: missense variant. On other transcripts: non-coding transcript variant (1).
Genome position (GRCh38, 1-based): chr16:50,729,829, A>C. VCF-style: chr16-50729829-A-C. GRCh37 (hg19) VCF-style: chr16-50763740-A-C.
Other names: c.2897A>C, p.Asn966Thr (NM_001293557.2); c.2978A>C, p.Asn993Thr (NM_022162.3); short protein forms N966T, N993T.
Identifiers: ClinVar variation 3754231 (VCV003754231.2).